The following is an entry in ClinVar:

ClinVar aggregate classification (germline): Uncertain significance (1 of 4 stars; one submission).

Conditions:
Multiple gastrointestinal atresias. Also called: FAMILIAL INTESTINAL POLYATRESIA SYNDROME; Multiple intestinal atresia. Identifiers: Orphanet 2300, MedGen C0220744, MONDO:0009465.

Submission:

Labcorp Genetics (formerly Invitae), Labcorp
Classification: Uncertain significance for Multiple gastrointestinal atresias. Last evaluated: 2023-11-27. Review status: criteria provided, single submitter. Criteria: Invitae Variant Classification Sherloc (09022015). Collection method: clinical testing. Allele origin: germline.
Comment: This variant results in a copy number gain of the genomic region encompassing exon(s) 1-2 of the TTC7A gene. This region includes the initiator codon of the gene. This copy number gain extends beyond the assayed region for this gene and therefore may encompass additional genes. As the precise location of this event is unknown, it may be in tandem or it may be located elsewhere in the genome. This variant has not been reported in the literature in individuals affected with TTC7A-related conditions. In summary, the available evidence is currently insufficient to determine the role of this variant in disease. Therefore, it has been classified as a Variant of Uncertain Significance.

NC_000002.11:g.(?_47132602)_(47177685_?)dup

Genes: MCFD2 (multiple coagulation factor deficiency 2, ER cargo receptor complex subunit; minus strand), TTC7A (tetratricopeptide repeat domain 7A; plus strand). Cytogenetic location: 2p21.
Variant type: Duplication.
Identifiers: ClinVar variation 2426556 (VCV002426556.3).